The following is an entry in ClinVar:

ClinVar aggregate classification (germline): Uncertain significance. Review status: criteria provided, multiple submitters, no conflicts (2 of 4 stars). 3 submissions from 3 submitters: Uncertain significance (3). Last evaluated 2026-05-08.

Conditions:
CLPP-related disorder. Also called: CLPP-related condition.

Allele frequency attached by ClinVar (database versions not stated): ExAC 0.00003; TOPMed 0.00006; gnomAD 0.00010; ESP Exome Variant Server 0.00015.
gnomAD v4.1: 55 of 1,614,112 alleles (0.0034%); highest among the groups gnomAD compares: African/African-American, 0.025%; no homozygotes.

Submissions (3):

PreventionGenetics, part of Exact Sciences
Classification: Uncertain significance for CLPP-related condition. Last evaluated: 2026-05-08. Review status: criteria provided, single submitter. Criteria: ACMG Guidelines, 2015. Collection method: clinical testing. Allele origin: germline.
Comment: The CLPP c.683G>A variant is predicted to result in the amino acid substitution p.Arg228His. To our knowledge, this variant has not been reported in the literature. This variant is reported in 0.024% of alleles in individuals of African descent in gnomAD. At this time, the clinical significance of this variant is uncertain due to the absence of conclusive functional and genetic evidence.

Labcorp Genetics (formerly Invitae), Labcorp
Classification: Uncertain significance. Last evaluated: 2023-10-13. Review status: criteria provided, single submitter. Criteria: Invitae Variant Classification Sherloc (09022015). Collection method: clinical testing. Allele origin: germline.
Comment: This sequence change replaces arginine, which is basic and polar, with histidine, which is basic and polar, at codon 228 of the CLPP protein (p.Arg228His). This variant is present in population databases (rs142079552, gnomAD 0.02%). This variant has not been reported in the literature in individuals affected with CLPP-related conditions. ClinVar contains an entry for this variant (Variation ID: 1902739). Advanced modeling of protein sequence and biophysical properties (such as structural, functional, and spatial information, amino acid conservation, physicochemical variation, residue mobility, and thermodynamic stability) performed at Invitae indicates that this missense variant is not expected to disrupt CLPP protein function. In summary, the available evidence is currently insufficient to determine the role of this variant in disease. Therefore, it has been classified as a Variant of Uncertain Significance.

GeneDx
Classification: Uncertain significance. Last evaluated: 2023-03-21. Review status: criteria provided, single submitter. Criteria: GeneDx Variant Classification Process June 2021. Collection method: clinical testing. Allele origin: germline. Affected: yes.
Comment: In silico analysis supports that this missense variant does not alter protein structure/function; Has not been previously published as pathogenic or benign to our knowledge

NM_006012.4(CLPP):c.683G>A (p.Arg228His)

Gene: CLPP (caseinolytic mitochondrial matrix peptidase proteolytic subunit; plus strand). Cytogenetic location: 19p13.3.
Variant type: single nucleotide variant.
Coding change: c.683G>A on transcript NM_006012.4 (MANE Select); coding-DNA position 683, G replaced by A.
Protein change: p.Arg228His; replaces arginine 228 with histidine.
Molecular consequence: missense variant.
Genome position (GRCh38, 1-based): chr19:6,368,559, G>A. VCF-style: chr19-6368559-G-A. GRCh37 (hg19) VCF-style: chr19-6368570-G-A.
Other names: c.683G>A (NM_006012.2); short protein forms R228H.
Identifiers: ClinVar variation 1902739 (VCV001902739.7), dbSNP rs142079552, ClinGen allele CA9123008.